The following is an entry in ClinVar:

NM_001943.5(DSG2):c.3103A>T (p.Met1035Leu)

Genes: DSG2 (desmoglein 2; plus strand), DSG2-AS1 (DSG2 antisense RNA 1; minus strand). Cytogenetic location: 18q12.1.
Variant type: single nucleotide variant.
Coding change: c.3103A>T on transcript NM_001943.5 (MANE Select); coding-DNA position 3103, A replaced by T.
Protein change: p.Met1035Leu; replaces methionine 1035 with leucine.
Molecular consequence: missense variant.
Genome position (GRCh38, 1-based): chr18:31,546,489, A>T. VCF-style: chr18-31546489-A-T. GRCh37 (hg19) VCF-style: chr18-29126452-A-T.
Other names: short protein forms M1035L.
Identifiers: ClinVar variation 4825930 (VCV004825930.1).

ClinVar aggregate classification (germline): Uncertain significance (1 of 4 stars; one submission).

Conditions:
Cardiovascular phenotype. Identifiers: MedGen CN230736.

Submission:

Ambry Genetics
Classification: Uncertain significance for Cardiovascular phenotype. Last evaluated: 2026-02-24. Review status: criteria provided, single submitter. Criteria: Ambry Variant Classification Scheme 2023. Collection method: clinical testing. Allele origin: germline.
Comment: The p.M1035L variant (also known as c.3103A>T), located in coding exon 15 of the DSG2 gene, results from an A to T substitution at nucleotide position 3103. The methionine at codon 1035 is replaced by leucine, an amino acid with highly similar properties. This amino acid position is conserved. In addition, this alteration is predicted to be tolerated by in silico analysis. Based on the available evidence, the clinical significance of this variant remains unclear.